The following is an entry in ClinVar:

ClinVar aggregate classification (germline): Uncertain significance (1 of 4 stars; one submission).

Conditions:
Primary ciliary dyskinesia. Also called: Ciliary dyskinesia. Identifiers: Orphanet 244, MedGen C0008780, MONDO:0016575, HP:0012265.

Allele frequency attached by ClinVar (database versions not stated): gnomAD exomes below 0.00001; TOPMed below 0.00001; gnomAD 0.00001.
gnomAD v4.1: 2 of 1,613,872 alleles (0.00012%); highest among the groups gnomAD compares: Non-Finnish European, 0.00017%; no homozygotes.

Submission:

Labcorp Genetics (formerly Invitae), Labcorp
Classification: Uncertain significance for Primary ciliary dyskinesia. Last evaluated: 2021-05-03. Review status: criteria provided, single submitter. Criteria: Invitae Variant Classification Sherloc (09022015). Collection method: clinical testing. Allele origin: germline.
Comment: This variant has not been reported in the literature in individuals with CCDC40-related conditions. In summary, the available evidence is currently insufficient to determine the role of this variant in disease. Therefore, it has been classified as a Variant of Uncertain Significance. Algorithms developed to predict the effect of missense changes on protein structure and function output the following: SIFT: "Tolerated"; PolyPhen-2: "Benign"; Align-GVGD: "Class C0". The methionine amino acid residue is found in multiple mammalian species, suggesting that this missense change does not adversely affect protein function. These predictions have not been confirmed by published functional studies and their clinical significance is uncertain. This variant is not present in population databases (ExAC no frequency). This sequence change replaces leucine with methionine at codon 602 of the CCDC40 protein (p.Leu602Met). The leucine residue is moderately conserved and there is a small physicochemical difference between leucine and methionine.

NM_017950.4(CCDC40):c.1804C>A (p.Leu602Met)

Gene: CCDC40 (coiled-coil domain 40 molecular ruler complex subunit; plus strand). Cytogenetic location: 17q25.3.
Variant type: single nucleotide variant.
Coding change: c.1804C>A on transcript NM_017950.4 (MANE Select); coding-DNA position 1804, C replaced by A.
Protein change: p.Leu602Met; replaces leucine 602 with methionine.
Molecular consequence: missense variant.
Genome position (GRCh38, 1-based): chr17:80,081,787, C>A. VCF-style: chr17-80081787-C-A. GRCh37 (hg19) VCF-style: chr17-78055586-C-A.
Other names: c.1804C>A, p.Leu602Met (NM_001243342.2); short protein forms L602M.
Identifiers: ClinVar variation 1409734 (VCV001409734.8), dbSNP rs1213836538, ClinGen allele CA401338261.